The following is an entry in ClinVar:

NM_022166.4(XYLT1):c.1792C>T (p.Arg598Cys)

Genes: XYLT1 (xylosyltransferase 1; minus strand), LOC102723692 (uncharacterized LOC102723692; plus strand). Cytogenetic location: 16p12.3.
Variant type: single nucleotide variant.
Coding change: c.1792C>T on transcript NM_022166.4 (MANE Select); coding-DNA position 1792, C replaced by T.
Protein change: p.Arg598Cys; replaces arginine 598 with cysteine.
Molecular consequence: missense variant.
Genome position (GRCh38, 1-based): chr16:17,134,708, G>A on the plus strand (C>T on the coding strand, the complement: XYLT1 is on the minus strand). VCF-style: chr16-17134708-G-A. GRCh37 (hg19) VCF-style: chr16-17228565-G-A.
Other names: short protein forms R598C.
Identifiers: ClinVar variation 127235 (VCV000127235.8), dbSNP rs587777367, ClinGen allele CA151424.
Genomic context (GRCh38, chr16:17,134,708, plus strand): 5'-CGTACAGGTAATAGTCCAGCTGCCCAATGATTTCCTGATTCACCACGGCTTCAAACTTGC[G>A]GGCAAAGAAGGTAGGCCGGGCTGTCTGCTGTACTCATGGGATTAAAAATAGAAAAGCCAC-3'
Protein context (NP_071449.1, residues 588-608): QQTARPTFFA[Arg598Cys]KFEAVVNQEI

ClinVar aggregate classification (germline): Uncertain significance. Review status: criteria provided, single submitter (1 of 4 stars). 2 submissions from 2 submitters: Uncertain significance (1). 1 of the submissions does not count toward it. Last evaluated 2019-08-18.

Conditions:
Desbuquois dysplasia 2 (DBQD2). Also called: Baratela-Scott syndrome. Identifiers: Orphanet 1425, MedGen C4014294, MONDO:0014343, OMIM 615777.
Desbuquois dysplasia 1 (DBQD1). Also called: MICROMELIC DWARFISM WITH VERTEBRAL AND METAPHYSEAL ABNORMALITIES AND ADVANCED CARPOTARSAL OSSIFICATION; DESBUQUOIS DYSPLASIA 1, KIM VARIANT. Identifiers: Orphanet 1425, MedGen C4012146, MONDO:0009629, OMIM 251450.

Allele frequency attached by ClinVar (database versions not stated): TOPMed below 0.00001; gnomAD 0.00001; gnomAD exomes 0.00001.
gnomAD v4.1: 9 of 1,613,998 alleles (0.00056%); highest among the groups gnomAD compares: Non-Finnish European, 0.00076%; no homozygotes.

Submissions (2):

Labcorp Genetics (formerly Invitae), Labcorp
Classification: Uncertain significance for Desbuquois dysplasia 1. Last evaluated: 2019-08-18. Review status: criteria provided, single submitter. Criteria: Invitae Variant Classification Sherloc (09022015). Collection method: clinical testing. Allele origin: germline.
Comment: In summary, the available evidence is currently insufficient to determine the role of this variant in disease. Therefore, it has been classified as a Variant of Uncertain Significance. This variant has been reported to affect XYLT1 protein function (PMID: 28462984). This variant has been observed to segregate with Desbuquois dysplasia type 2 in a family (PMID: 24581741). ClinVar contains an entry for this variant (Variation ID: 127235). This variant is not present in population databases (ExAC no frequency). This sequence change replaces arginine with cysteine at codon 598 of the XYLT1 protein (p.Arg598Cys). The arginine residue is highly conserved and there is a large physicochemical difference between arginine and cysteine.

OMIM
Classification: Pathogenic for DESBUQUOIS DYSPLASIA 2. Last evaluated: 2014-03-06. Review status: no assertion criteria provided. Collection method: literature only. Allele origin: germline. Not counted in ClinVar's aggregate classification.

Literature cited by the submitters: PubMed 28462984 (cited by Labcorp Genetics (formerly Invitae), Labcorp); PubMed 24581741 (cited by Labcorp Genetics (formerly Invitae), Labcorp and OMIM).